The following is an entry in ClinVar:

NM_020919.4(ALS2):c.747G>A (p.Val249=)

Gene: ALS2 (alsin Rho guanine nucleotide exchange factor ALS2; minus strand). Cytogenetic location: 2q33.1.
Variant type: single nucleotide variant.
Coding change: c.747G>A on transcript NM_020919.4 (MANE Select); coding-DNA position 747, G replaced by A.
Protein change: p.Val249=; no amino-acid change (valine 249 retained).
Molecular consequence: synonymous variant.
Genome position (GRCh38, 1-based): chr2:201,761,247, C>T on the plus strand (G>A on the coding strand, the complement: ALS2 is on the minus strand). VCF-style: chr2-201761247-C-T. GRCh37 (hg19) VCF-style: chr2-202625970-C-T.
Other names: c.747G>A, p.Val249= (NM_001135745.2, NM_001410975.1).
Identifiers: ClinVar variation 5000221 (VCV005000221.1).

ClinVar aggregate classification (germline): Likely benign (1 of 4 stars; one submission).

Conditions:
ALS2-related disorder. Also called: ALS2-Related Spectrum Disorders; ALS2-related disorders; ALS2-related condition. Identifiers: MedGen CN169291.

gnomAD v4.1: 5 of 1,614,016 alleles (0.00031%); highest among the groups gnomAD compares: African/African-American, 0.0013%; no homozygotes.

Submission:

PreventionGenetics, part of Exact Sciences
Classification: Likely benign for ALS2-related condition. Last evaluated: 2025-03-31. Review status: criteria provided, single submitter. Criteria: ACMG Guidelines, 2015. Collection method: clinical testing. Allele origin: germline.
Comment: This variant is classified as likely benign based on ACMG/AMP sequence variant interpretation guidelines (Richards et al. 2015 PMID: 25741868, with internal and published modifications).